The following is an entry in ClinVar:

ClinVar aggregate classification (germline): Uncertain significance (1 of 4 stars; one submission).

Conditions:
Nemaline myopathy 2 (NEM2). Also called: Nemaline myopathy 2, autosomal recessive. Identifiers: MedGen C1850569, MONDO:0009725, OMIM 256030.

gnomAD v4.1: 1 of 1,613,616 alleles (0.000062%); highest among the groups gnomAD compares: Non-Finnish European, 0.000085%; no homozygotes.

Submission:

Labcorp Genetics (formerly Invitae), Labcorp
Classification: Uncertain significance for Nemaline myopathy 2. Last evaluated: 2025-12-02. Review status: criteria provided, single submitter. Criteria: Invitae Variant Classification Sherloc (09022015). Collection method: clinical testing. Allele origin: germline.
Comment: This sequence change replaces alanine, which is neutral and non-polar, with threonine, which is neutral and polar, at codon 1951 of the NEB protein (p.Ala1951Thr). This variant is present in population databases (rs746058844, gnomAD 0.002%). This variant has not been reported in the literature in individuals affected with NEB-related conditions. Experimental studies and prediction algorithms are not available or were not evaluated, and the functional significance of this variant is currently unknown. In summary, the available evidence is currently insufficient to determine the role of this variant in disease. Therefore, it has been classified as a Variant of Uncertain Significance.

NM_001164508.2(NEB):c.5851G>A (p.Ala1951Thr)

Gene: NEB (nebulin; minus strand). Cytogenetic location: 2q23.3.
Variant type: single nucleotide variant.
Coding change: c.5851G>A on transcript NM_001164508.2 (MANE Select); coding-DNA position 5851, G replaced by A.
Protein change: p.Ala1951Thr; replaces alanine 1951 with threonine.
Molecular consequence: missense variant.
Genome position (GRCh38, 1-based): chr2:151,662,254, C>T on the plus strand (G>A on the coding strand, the complement: NEB is on the minus strand). VCF-style: chr2-151662254-C-T. GRCh37 (hg19) VCF-style: chr2-152518768-C-T.
Other names: c.5851G>A, p.Ala1951Thr (NM_001164507.2, NM_001271208.2, NM_004543.5); short protein forms A1951T.
Identifiers: ClinVar variation 4702149 (VCV004702149.1).